The following is an entry in ClinVar:

NM_025132.4(WDR19):c.3029A>G (p.Tyr1010Cys)

Gene: WDR19 (WD repeat domain 19; plus strand). Cytogenetic location: 4p14.
Variant type: single nucleotide variant.
Coding change: c.3029A>G on transcript NM_025132.4 (MANE Select); coding-DNA position 3029, A replaced by G.
Protein change: p.Tyr1010Cys; replaces tyrosine 1010 with cysteine.
Molecular consequence: missense variant.
Genome position (GRCh38, 1-based): chr4:39,255,875, A>G. VCF-style: chr4-39255875-A-G. GRCh37 (hg19) VCF-style: chr4-39257495-A-G.
Other names: c.3029A>G (NM_025132.3); c.2549A>G, p.Tyr850Cys (NM_001317924.2); short protein forms Y1010C, Y850C.
Identifiers: ClinVar variation 1059697 (VCV001059697.9), dbSNP rs548534755, ClinGen allele CA2892245.

ClinVar aggregate classification (germline): Uncertain significance. Review status: criteria provided, multiple submitters, no conflicts (2 of 4 stars). 4 submissions from 4 submitters: Uncertain significance (4). Last evaluated 2026-03-30.

Conditions:
Asphyxiating thoracic dystrophy 5 (SRTD5). Also called: SHORT-RIB THORACIC DYSPLASIA 5 WITH OR WITHOUT POLYDACTYLY; SHORT-RIB THORACIC DYSPLASIA 5 WITHOUT POLYDACTYLY. Identifiers: Orphanet 474, MedGen C3280598, MONDO:0013717, OMIM 614376.
Senior-Loken syndrome 8 (SLSN8). Identifiers: Orphanet 3156, MedGen C4225376, MONDO:0014579, OMIM 616307.
Nephronophthisis 13 (NPHP13). Identifiers: Orphanet 655, MedGen C3280612, MONDO:0013718, OMIM 614377.
Spermatogenic failure 72 (SPGF72). Identifiers: MedGen C5676980, MONDO:0030809, OMIM 619867.
Cranioectodermal dysplasia 4 (CED4). Identifiers: Orphanet 1515, MedGen C3280616, MONDO:0013719, OMIM 614378.
Inborn genetic diseases. Identifiers: MedGen C0950123, MeSH D030342.

Allele frequency attached by ClinVar (database versions not stated): gnomAD exomes 0.00001 and 0.00002; ExAC 0.00002; gnomAD 0.00011; TOPMed 0.00011; 1000 Genomes Project 0.00020; 1000 Genomes Project 30x 0.00031.
gnomAD v4.1: 32 of 1,605,472 alleles (0.002%); highest among the groups gnomAD compares: African/African-American, 0.033%; no homozygotes.

Submissions (4):

Ambry Genetics
Classification: Uncertain significance for Inborn genetic diseases. Last evaluated: 2026-03-30. Review status: criteria provided, single submitter. Criteria: Ambry Variant Classification Scheme 2023. Collection method: clinical testing. Allele origin: germline.
Comment: The c.3029A>G (p.Y1010C) alteration is located in exon 27 (coding exon 27) of the WDR19 gene. This alteration results from a A to G substitution at nucleotide position 3029, causing the tyrosine (Y) at amino acid position 1010 to be replaced by a cysteine (C). Based on data from gnomAD, the G allele has an overall frequency of 0.003% (9/268640) total alleles studied. The highest observed frequency was 0.026% (6/23416) of African alleles. Based on insufficient or conflicting evidence, the clinical significance of this alteration remains unclear.

Blueprint Genetics
Classification: Uncertain significance. Last evaluated: 2024-01-12. Review status: criteria provided, single submitter. Criteria: ACMG Guidelines, 2015. Collection method: clinical testing. Allele origin: germline.

Labcorp Genetics (formerly Invitae), Labcorp
Classification: Uncertain significance for Senior-Loken syndrome 8; Asphyxiating thoracic dystrophy 5. Last evaluated: 2022-08-09. Review status: criteria provided, single submitter. Criteria: Invitae Variant Classification Sherloc (09022015). Collection method: clinical testing. Allele origin: germline.
Comment: This sequence change replaces tyrosine, which is neutral and polar, with cysteine, which is neutral and slightly polar, at codon 1010 of the WDR19 protein (p.Tyr1010Cys). This variant is present in population databases (rs548534755, gnomAD 0.03%). This variant has not been reported in the literature in individuals affected with WDR19-related conditions. ClinVar contains an entry for this variant (Variation ID: 1059697). Algorithms developed to predict the effect of missense changes on protein structure and function (SIFT, PolyPhen-2, Align-GVGD) all suggest that this variant is likely to be disruptive. In summary, the available evidence is currently insufficient to determine the role of this variant in disease. Therefore, it has been classified as a Variant of Uncertain Significance.

Fulgent Genetics
Classification: Uncertain significance for Asphyxiating thoracic dystrophy 5; Nephronophthisis 13; Cranioectodermal dysplasia 4; Senior-Loken syndrome 8; Spermatogenic failure 72. Last evaluated: 2022-02-23. Review status: criteria provided, single submitter. Criteria: ACMG Guidelines, 2015. Collection method: clinical testing. Allele origin: unknown.